The following is an entry in ClinVar:

NM_017763.6(RNF43):c.1201G>A (p.Glu401Lys)

Gene: RNF43 (ring finger protein 43; minus strand). Cytogenetic location: 17q22.
Variant type: single nucleotide variant.
Coding change: c.1201G>A on transcript NM_017763.6 (MANE Select); coding-DNA position 1201, G replaced by A.
Protein change: p.Glu401Lys; replaces glutamic acid 401 with lysine.
Molecular consequence: missense variant.
Genome position (GRCh38, 1-based): chr17:58,358,575, C>T on the plus strand (G>A on the coding strand, the complement: RNF43 is on the minus strand). VCF-style: chr17-58358575-C-T. GRCh37 (hg19) VCF-style: chr17-56435936-C-T.
Other names: c.1201G>A, p.Glu401Lys (NM_001305544.3); c.820G>A, p.Glu274Lys (NM_001305545.2); short protein forms E274K, E401K.
Identifiers: ClinVar variation 3364436 (VCV003364436.2).

ClinVar aggregate classification (germline): Conflicting classifications of pathogenicity. Review status: criteria provided, conflicting classifications (1 of 4 stars). 2 submissions from 2 submitters: Uncertain significance (1); Likely benign (1). Last evaluated 2025-03-18.

gnomAD v4.1: 11 of 1,600,592 alleles (0.00069%); highest among the groups gnomAD compares: African/African-American, 0.0027%; no homozygotes.

Submissions (2):

Ambry Genetics
Classification: Likely benign. Last evaluated: 2025-03-18. Review status: criteria provided, single submitter. Criteria: Ambry Variant Classification Scheme 2023. Collection method: clinical testing. Allele origin: germline.

GeneDx
Classification: Uncertain significance. Last evaluated: 2023-11-21. Review status: criteria provided, single submitter. Criteria: GeneDx Variant Classification Process June 2021. Collection method: clinical testing. Allele origin: germline. Affected: yes.
Comment: Not observed at significant frequency in large population cohorts (gnomAD); In silico analysis supports that this missense variant does not alter protein structure/function; Has not been previously published as pathogenic or benign to our knowledge; Variants in candidate genes are classified as variants of uncertain significance in accordance with ACMG guidelines (PMID: 25741868)